The following is an entry in ClinVar:

ClinVar aggregate classification (germline): Likely benign (0 of 4 stars; one submission).

Conditions:
NOBOX-related disorder. Also called: NOBOX-related condition.

Allele frequency attached by ClinVar (database versions not stated): gnomAD exomes 0.00001; ExAC 0.00003; TOPMed 0.00007; gnomAD 0.00008; ESP Exome Variant Server 0.00016.
gnomAD v4.1: 24 of 1,613,424 alleles (0.0015%); highest among the groups gnomAD compares: African/African-American, 0.028%; no homozygotes.

Submission:

PreventionGenetics, part of Exact Sciences
Classification: Likely benign for NOBOX-related condition. Last evaluated: 2019-05-22. Review status: no assertion criteria provided. Collection method: clinical testing. Allele origin: germline.
Comment: This variant is classified as likely benign based on ACMG/AMP sequence variant interpretation guidelines (Richards et al. 2015 PMID: 25741868, with internal and published modifications).

NM_001436401.1(NOBOX):c.396A>T (p.Thr132=)

Gene: NOBOX (NOBOX oogenesis homeobox; minus strand). Cytogenetic location: 7q35.
Variant type: single nucleotide variant.
Coding change: c.396A>T on transcript NM_001436401.1 (MANE Select); coding-DNA position 396, A replaced by T.
Protein change: p.Thr132=; no amino-acid change (threonine 132 retained).
Molecular consequence: synonymous variant. On other transcripts: intron variant (1).
Genome position (GRCh38, 1-based): chr7:144,401,239, T>A on the plus strand (A>T on the coding strand, the complement: NOBOX is on the minus strand). VCF-style: chr7-144401239-T-A. GRCh37 (hg19) VCF-style: chr7-144098332-T-A.
Other names: NM_001080413.3:c.651A>T; c.38-927A>T (NM_001436402.1).
Identifiers: ClinVar variation 3039161 (VCV003039161.2), dbSNP rs374655849, ClinGen allele CA4544787.
Genomic context (GRCh38, chr7:144,401,239, plus strand): 5'-TGACCCACAGGGCACTGGGTTGTGTGTGGCACGGGCTGAGTTAGGGGCACCCGGAGATGA[T>A]GTTGGGGCCAGACCCATGGCATTAGGCTTTTTCTGCTTCCCGGGGGCTGGAGAATAGGAC-3'
Protein context (NP_001423330.1, residues 122-142): KKPNAMGLAP[Thr132=]SSPGAPNSAR